The following is an entry in ClinVar:

NM_000391.4(TPP1):c.1069G>C (p.Ala357Pro)

Gene: TPP1 (tripeptidyl peptidase 1; minus strand). Cytogenetic location: 11p15.4.
Variant type: single nucleotide variant.
Coding change: c.1069G>C on transcript NM_000391.4 (MANE Select); coding-DNA position 1069, G replaced by C.
Protein change: p.Ala357Pro; replaces alanine 357 with proline.
Molecular consequence: missense variant.
Genome position (GRCh38, 1-based): chr11:6,616,321, C>G on the plus strand (G>C on the coding strand, the complement: TPP1 is on the minus strand). VCF-style: chr11-6616321-C-G. GRCh37 (hg19) VCF-style: chr11-6637552-C-G.
Other names: short protein forms A357P.
Identifiers: ClinVar variation 856651 (VCV000856651.6), dbSNP rs1266615275, ClinGen allele CA379474013.

ClinVar aggregate classification (germline): Uncertain significance. Review status: criteria provided, single submitter (1 of 4 stars). 2 submissions from 2 submitters: Uncertain significance (1). 1 of the submissions does not count toward it. Last evaluated 2024-10-15.

Conditions:
Neuronal ceroid lipofuscinosis 2. Also called: TPP1-Related Neuronal Ceroid-Lipofuscinosis; JANSKY-BIELSCHOWSKY DISEASE NEURONAL CEROID LIPOFUSCINOSIS, LATE INFANTILE. Identifiers: Orphanet 168491, Orphanet 228349, Orphanet 79264, MedGen C1876161, MONDO:0008769, OMIM 204500.

Allele frequency attached by ClinVar (database versions not stated): gnomAD 0.00001.

Submissions (2):

Labcorp Genetics (formerly Invitae), Labcorp
Classification: Uncertain significance. Last evaluated: 2024-10-15. Review status: criteria provided, single submitter. Criteria: Invitae Variant Classification Sherloc (09022015). Collection method: clinical testing. Allele origin: germline.
Comment: This sequence change replaces alanine, which is neutral and non-polar, with proline, which is neutral and non-polar, at codon 357 of the TPP1 protein (p.Ala357Pro). This variant is present in population databases (no rsID available, gnomAD 0.06%). This variant has not been reported in the literature in individuals affected with TPP1-related conditions. ClinVar contains an entry for this variant (Variation ID: 856651). Invitae Evidence Modeling of protein sequence and biophysical properties (such as structural, functional, and spatial information, amino acid conservation, physicochemical variation, residue mobility, and thermodynamic stability) indicates that this missense variant is expected to disrupt TPP1 protein function with a positive predictive value of 95%. Algorithms developed to predict the effect of sequence changes on RNA splicing suggest that this variant may disrupt the consensus splice site. In summary, the available evidence is currently insufficient to determine the role of this variant in disease. Therefore, it has been classified as a Variant of Uncertain Significance.

Natera, Inc.
Classification: Uncertain significance for Neuronal ceroid lipofuscinosis 2. Last evaluated: 2020-11-02. Review status: no assertion criteria provided. Collection method: clinical testing. Allele origin: germline. Not counted in ClinVar's aggregate classification.